The following is an entry in ClinVar:

ClinVar aggregate classification (germline): Likely benign. Review status: criteria provided, multiple submitters, no conflicts (2 of 4 stars). 4 submissions from 4 submitters: Likely benign (3). 1 of the submissions does not count toward it. Last evaluated 2025-07-10.

Conditions:
SIX1-related disorder. Also called: SIX1-related condition.
Autosomal dominant nonsyndromic hearing loss 23. Identifiers: Orphanet 90635, MedGen C1854594, MONDO:0011519, OMIM 605192.
Branchiootic syndrome 3 (BOS3). Also called: BO SYNDROME 3. Identifiers: MedGen C1842124, MONDO:0012025, OMIM 608389.
Branchiootorenal syndrome 1. Also called: Branchio-Oto-Renal Syndrome 1. Identifiers: Orphanet 107, MedGen C4551702, MONDO:0007236, OMIM 113650.

Allele frequency attached by ClinVar (database versions not stated): gnomAD exomes 0.00006; gnomAD 0.00007 and 0.00008; TOPMed 0.00009.
gnomAD v4.1: 99 of 1,613,578 alleles (0.0061%); highest among the groups gnomAD compares: Admixed American, 0.015%; no homozygotes.

Submissions (4):

Labcorp Genetics (formerly Invitae), Labcorp
Classification: Likely benign for Autosomal dominant nonsyndromic hearing loss 23; Branchiootic syndrome 3. Last evaluated: 2025-07-10. Review status: criteria provided, single submitter. Criteria: Invitae Variant Classification Sherloc (09022015). Collection method: clinical testing. Allele origin: germline.

Fulgent Genetics
Classification: Likely benign for Branchiootorenal syndrome 1; Autosomal dominant nonsyndromic hearing loss 23; Branchiootic syndrome 3. Last evaluated: 2022-04-29. Review status: criteria provided, single submitter. Criteria: ACMG Guidelines, 2015. Collection method: clinical testing. Allele origin: unknown.

GeneDx
Classification: Likely benign. Last evaluated: 2020-09-15. Review status: criteria provided, single submitter. Criteria: GeneDx Variant Classification Process June 2021. Collection method: clinical testing. Allele origin: germline. Affected: yes.

PreventionGenetics, part of Exact Sciences
Classification: Likely benign for SIX1-related condition. Last evaluated: 2020-01-10. Review status: no assertion criteria provided. Collection method: clinical testing. Allele origin: germline. Not counted in ClinVar's aggregate classification.
Comment: This variant is classified as likely benign based on ACMG/AMP sequence variant interpretation guidelines (Richards et al. 2015 PMID: 25741868, with internal and published modifications).

NM_005982.4(SIX1):c.474C>T (p.Ala158=)

Gene: SIX1 (SIX homeobox 1; minus strand). Cytogenetic location: 14q23.1.
Variant type: single nucleotide variant.
Coding change: c.474C>T on transcript NM_005982.4 (MANE Select); coding-DNA position 474, C replaced by T.
Protein change: p.Ala158=; no amino-acid change (alanine 158 retained).
Molecular consequence: synonymous variant.
Genome position (GRCh38, 1-based): chr14:60,648,716, G>A on the plus strand (C>T on the coding strand, the complement: SIX1 is on the minus strand). VCF-style: chr14-60648716-G-A. GRCh37 (hg19) VCF-style: chr14-61115434-G-A.
Identifiers: ClinVar variation 466172 (VCV000466172.16), dbSNP rs199743522, ClinGen allele CA7212805.